The following is an entry in ClinVar:

NM_001174089.2(SLC4A11):c.570_571del (p.Val192fs)

Gene: SLC4A11 (solute carrier family 4 member 11; minus strand). Cytogenetic location: 20p13.
Variant type: Deletion.
Coding change: c.570_571del on transcript NM_001174089.2 (MANE Select); coding-DNA positions 570 to 571, 2 bases deleted (AG; older notation c.570_571delAG).
Protein change: p.Val192fs; shifts the reading frame from valine 192.
Molecular consequence: frameshift variant. On other transcripts: non-coding transcript variant (1).
Genome position (GRCh38, 1-based): chr20:3,233,955-3,233,956, CT deleted on the plus strand (AG on the coding strand, the reverse complement: SLC4A11 is on the minus strand). VCF-style (leftmost placement, unchanged base first): chr20-3233954-CCT-C. GRCh37 (hg19) VCF-style: chr20-3214600-CCT-C.
Other names: c.699_700del, p.Val235fs (NM_001174090.2); c.570_571del, p.Val192fs (NM_001363745.2); c.618_619del, p.Val208fs (NM_032034.4); c.618_619delAG (NM_032034.3); short protein forms V192fs, V235fs, V208fs.
Identifiers: ClinVar variation 958954 (VCV000958954.11), dbSNP rs762596098, ClinGen allele CA9742231.

ClinVar aggregate classification (germline): Pathogenic. Review status: criteria provided, multiple submitters, no conflicts (2 of 4 stars). 2 submissions from 2 submitters: Pathogenic (2). Last evaluated 2024-12-30.

Conditions:
Corneal dystrophy-perceptive deafness syndrome (CDPD). Also called: HARBOYAN SYNDROME; CORNEAL DYSTROPHY AND SENSORINEURAL DEAFNESS. Identifiers: Orphanet 1490, MedGen C1857572, MONDO:0009015, OMIM 217400.

Allele frequency attached by ClinVar (database versions not stated): gnomAD exomes below 0.00001 and 0.00001; ExAC 0.00001; gnomAD 0.00001 and 0.00002; TOPMed 0.00001.

Submissions (2):

Natera, Inc.
Classification: Pathogenic for Corneal dystrophy-perceptive deafness syndrome. Last evaluated: 2024-12-30. Review status: criteria provided, single submitter. Criteria: Natera Variant Classification Schema (03/2026). Collection method: clinical testing. Allele origin: germline.
Comment: The c.618_619delAG variant in SLC4A11 is a frameshift variant predicted to shift the reading frame beginning at codon 208 and leads to a stop codon 38 codons downstream. This variant is expected to result in nonsense mediated decay, truncation, or a dysfunctional protein product. This variant is rare in the general population with a frequency below the threshold expected for the associated phenotype(s). This variant has been observed in one or more individuals affected with the associated recessive disease, as either homozygous or compound heterozygous with a second variant (PMID: 17679935). Given the available evidence, this variant is classified as Pathogenic.

Labcorp Genetics (formerly Invitae), Labcorp
Classification: Pathogenic. Last evaluated: 2023-11-05. Review status: criteria provided, single submitter. Criteria: Invitae Variant Classification Sherloc (09022015). Collection method: clinical testing. Allele origin: germline.
Comment: This sequence change creates a premature translational stop signal (p.Val208Alafs*38) in the SLC4A11 gene. It is expected to result in an absent or disrupted protein product. Loss-of-function variants in SLC4A11 are known to be pathogenic (PMID: 17220209, 17679935). This variant is present in population databases (rs762596098, gnomAD 0.002%). This premature translational stop signal has been observed in individuals with congenital hereditary endothelial dystrophy (PMID: 17679935, 19337156, 23922488). ClinVar contains an entry for this variant (Variation ID: 958954). For these reasons, this variant has been classified as Pathogenic.

Literature cited by the submitters: PubMed 17679935 (cited by Natera, Inc. and Labcorp Genetics (formerly Invitae), Labcorp); PubMed 17220209 (cited by Labcorp Genetics (formerly Invitae), Labcorp); PubMed 19337156 (cited by Labcorp Genetics (formerly Invitae), Labcorp); PubMed 23922488 (cited by Labcorp Genetics (formerly Invitae), Labcorp).